The following is an entry in ClinVar:

NM_000492.4(CFTR):c.1811C>T (p.Thr604Ile)

Gene: CFTR (CF transmembrane conductance regulator; plus strand). Cytogenetic location: 7q31.2.
Variant type: single nucleotide variant.
Coding change: c.1811C>T on transcript NM_000492.4 (MANE Select); coding-DNA position 1811, C replaced by T.
Protein change: p.Thr604Ile; replaces threonine 604 with isoleucine.
Molecular consequence: missense variant.
Genome position (GRCh38, 1-based): chr7:117,591,978, C>T. VCF-style: chr7-117591978-C-T. GRCh37 (hg19) VCF-style: chr7-117232032-C-T.
Other names: short protein forms T604I.
Identifiers: ClinVar variation 53395 (VCV000053395.15), dbSNP rs397508308, ClinGen allele CA326688.

ClinVar aggregate classification (germline): Pathogenic/Likely pathogenic. Review status: criteria provided, multiple submitters, no conflicts (2 of 4 stars). 6 submissions from 6 submitters: Pathogenic (3); Likely pathogenic (2). 1 of the submissions does not count toward it. Last evaluated 2025-10-14.

Conditions:
CFTR-related disorder (CFTR-RD). Also called: CFTR-related condition; CFTR-related disorders. Identifiers: MedGen C5924204, MONDO:7770004.
Cystic fibrosis (CF). Also called: MUCOVISCIDOSIS. Identifiers: Orphanet 586, MedGen C0010674, MONDO:0009061, OMIM 219700. Disease mechanism: loss of function.

gnomAD v4.1: 1 of 1,598,498 alleles (0.000063%); highest among the groups gnomAD compares: South Asian, 0.0012%; no homozygotes.

Submissions (6):

Natera, Inc.
Classification: Likely pathogenic for CFTR-related disorders. Last evaluated: 2025-10-14. Review status: criteria provided, single submitter. Criteria: Natera Variant Classification Schema (03/2026). Collection method: clinical testing. Allele origin: germline.
Comment: The c.1811C>T variant in CFTR is a missense variant predicted to cause substitution of threonine to isoleucine at amino acid 604. This variant is rare in the general population with a frequency below the threshold expected for the associated phenotype(s). This variant has been observed in one or more individuals affected with the associated recessive disease, as either homozygous or compound heterozygous with a second variant (PMID: 36891936, 38246579). Functional studies show that this variant may disrupt protein function (PMID: 38388235). Computational prediction algorithms indicate this variant is likely to affect gene or protein function. Given the available evidence, this variant is classified as Likely Pathogenic.

Genomic Medicine Center of Excellence, King Faisal Specialist Hospital and Research Centre
Classification: Pathogenic for Cystic fibrosis. Last evaluated: 2024-12-18. Review status: criteria provided, single submitter. Criteria: ACMG Guidelines, 2015. Collection method: clinical testing. Allele origin: germline.

Labcorp Genetics (formerly Invitae), Labcorp
Classification: Pathogenic for Cystic fibrosis. Last evaluated: 2023-07-25. Review status: criteria provided, single submitter. Criteria: Invitae Variant Classification Sherloc (09022015). Collection method: clinical testing. Allele origin: germline.
Comment: For these reasons, this variant has been classified as Pathogenic. This variant disrupts the p.Thr604 amino acid residue in CFTR. Other variant(s) that disrupt this residue have been observed in individuals with CFTR-related conditions (PMID: 15858154, 26277102; Invitae), which suggests that this may be a clinically significant amino acid residue. Advanced modeling of protein sequence and biophysical properties (such as structural, functional, and spatial information, amino acid conservation, physicochemical variation, residue mobility, and thermodynamic stability) performed at Invitae indicates that this missense variant is expected to disrupt CFTR protein function. ClinVar contains an entry for this variant (Variation ID: 53395). This missense change has been observed in individual(s) with clinical features of cystic fibrosis (PMID: 26277102). This variant is not present in population databases (gnomAD no frequency). This sequence change replaces threonine, which is neutral and polar, with isoleucine, which is neutral and non-polar, at codon 604 of the CFTR protein (p.Thr604Ile).

Genome-Nilou Lab
Classification: Likely pathogenic for Cystic fibrosis. Last evaluated: 2021-07-22. Review status: criteria provided, single submitter. Criteria: ACMG Guidelines, 2015. Collection method: clinical testing. Allele origin: germline. Affected: no.

CFTR-France
Classification: Pathogenic for cystic fibrosis; CFTR-related disorders. Last evaluated: 2018-03-09. Review status: criteria provided, single submitter. Criteria: Claustres M et al. (Hum Mutat 2017). Collection method: curation. Allele origin: germline. Affected: yes.
Comment: the variant causes a phenotype but regarding our data, we can't formally attribute it to CF, CFTR-RD or both

Counsyl
Classification: Uncertain significance for Cystic fibrosis. Last evaluated: 2017-02-16. Review status: no assertion criteria provided. Collection method: clinical testing. Allele origin: unknown. Not counted in ClinVar's aggregate classification.

Literature cited by the submitters: PubMed 36891936 (cited by Natera, Inc.); PubMed 38246579 (cited by Natera, Inc.); PubMed 38388235 (cited by Natera, Inc.); PubMed 15858154 (cited by Labcorp Genetics (formerly Invitae), Labcorp); PubMed 26277102 (cited by Labcorp Genetics (formerly Invitae), Labcorp).